The following is an entry in ClinVar:

NM_001007237.3(IGSF3):c.1470G>C (p.Gln490His)

Gene: IGSF3 (immunoglobulin superfamily member 3; minus strand). Cytogenetic location: 1p13.1.
Variant type: single nucleotide variant.
Coding change: c.1470G>C on transcript NM_001007237.3 (MANE Select); coding-DNA position 1470, G replaced by C.
Protein change: p.Gln490His; replaces glutamine 490 with histidine.
Molecular consequence: missense variant.
Genome position (GRCh38, 1-based): chr1:116,603,778, C>G on the plus strand (G>C on the coding strand, the complement: IGSF3 is on the minus strand). VCF-style: chr1-116603778-C-G. GRCh37 (hg19) VCF-style: chr1-117146400-C-G.
Other names: c.1530G>C (NM_001542.2); c.1530G>C, p.Gln510His (NM_001542.4); short protein forms Q490H, Q510H.
Identifiers: ClinVar variation 3771205 (VCV003771205.14).
Genomic context (GRCh38, chr1:116,603,778, plus strand): 5'-TTCATACTGGCCCTCGTCCTCCTTCCTGCTGTTGAAGATGCCCAGGCTGAACGAGTTGGG[C>G]TGCACCTGCTCCATCTGGACGCCCCCAAAGCTGCTGCGCTCCCAGTAGGACGAGCCTGGC-3'
Protein context (NP_001007238.1, residues 480-500): SFGGVQMEQV[Gln490His]PNSFSLGIFN

ClinVar aggregate classification (germline): Conflicting classifications of pathogenicity. Review status: criteria provided, conflicting classifications (1 of 4 stars). 2 submissions from 2 submitters: Uncertain significance (1); Likely benign (1). Last evaluated 2025-08-27.

gnomAD v4.1: 686 of 1,614,044 alleles (0.043%); highest among the groups gnomAD compares: African/African-American, 0.83%; 3 homozygotes.

Submissions (2):

Ambry Genetics
Classification: Uncertain significance. Last evaluated: 2025-08-27. Review status: criteria provided, single submitter. Criteria: Ambry Variant Classification Scheme 2023. Collection method: clinical testing. Allele origin: germline.

CeGaT Center for Human Genetics Tuebingen
Classification: Likely benign. Last evaluated: 2025-02-01. Review status: criteria provided, single submitter. Criteria: CeGaT Center For Human Genetics Tuebingen Variant Classification Criteria Version 2. Collection method: clinical testing. Allele origin: germline. Affected: yes. Observed: 1 variant allele.
Comment: IGSF3: PP2, BP4, BS2